The following is an entry in ClinVar:

NM_000107.3(DDB2):c.1120G>A (p.Val374Met)

Gene: DDB2 (damage specific DNA binding protein 2; plus strand). Cytogenetic location: 11p11.2.
Variant type: single nucleotide variant.
Coding change: c.1120G>A on transcript NM_000107.3 (MANE Select); coding-DNA position 1120, G replaced by A.
Protein change: p.Val374Met; replaces valine 374 with methionine.
Molecular consequence: missense variant. On other transcripts: non-coding transcript variant (2).
Genome position (GRCh38, 1-based): chr11:47,237,933, G>A. VCF-style: chr11-47237933-G-A. GRCh37 (hg19) VCF-style: chr11-47259484-G-A.
Other names: c.553G>A, p.Val185Met (NM_001300734.2, NM_001399876.1); c.1120G>A, p.Val374Met (NM_001399874.1, NM_001399875.1); c.928G>A, p.Val310Met (NM_001399878.1); short protein forms V185M, V310M, V374M.
Identifiers: ClinVar variation 1692143 (VCV001692143.1), dbSNP rs148299549, ClinGen allele CA5972714.

ClinVar aggregate classification (germline): Uncertain significance (1 of 4 stars; one submission).

Conditions:
Xeroderma pigmentosum (XP). Identifiers: Orphanet 910, MedGen C0043346, MONDO:0019600.

Allele frequency attached by ClinVar (database versions not stated): gnomAD exomes 0.00003 and 0.00008; ExAC 0.00008; gnomAD 0.00028; TOPMed 0.00028; ESP Exome Variant Server 0.00031; 1000 Genomes Project 30x 0.00047; 1000 Genomes Project 0.00060.
gnomAD v4.1: 109 of 1,614,130 alleles (0.0068%); highest among the groups gnomAD compares: African/African-American, 0.099%; 1 homozygote.

Submission:

Sema4
Classification: Uncertain significance for Xeroderma pigmentosum. Last evaluated: 2022-01-27. Review status: criteria provided, single submitter. Criteria: Sema4 Curation Guidelines. Collection method: curation. Allele origin: germline.
Comment: The DDB2 c.1120G>A (p.V374M) variant has not been reported in the literature to our knowledge. It was observed in 24/24962 chromosomes of the African/African American subpopulation, with no homozygotes, in the large and broad cohorts of the Genome Aggregation Database (PMID: 32461654). The variant has not been reported in ClinVar. In silico tools suggest the impact of the variant on protein function is benign, though these predictions have not been confirmed by functional studies. The evidence is insufficient to meet ACMG/AMP criteria for classifying the variant as benign or pathogenic. Thus, the clinical significance of this variant is currently uncertain.